The following is an entry in ClinVar:

NC_000011.9:g.(?_17414433)_(17438525_?)del

Gene: ABCC8 (ATP binding cassette subfamily C member 8; minus strand). Cytogenetic location: 11p15.1.
Variant type: Deletion.
Identifiers: ClinVar variation 1382227 (VCV001382227.4).

ClinVar aggregate classification (germline): Pathogenic (1 of 4 stars; one submission).

Submission:

Labcorp Genetics (formerly Invitae), Labcorp
Classification: Pathogenic. Last evaluated: 2021-10-13. Review status: criteria provided, single submitter. Criteria: Invitae Variant Classification Sherloc (09022015). Collection method: clinical testing. Allele origin: germline.
Comment: This variant is a complex rearrangement involving exon(s) 17-39, which includes the termination codon. Although the exact nature of the event is unknown, it likely involves partial deletion and/or inversion of these exons. This event extends beyond the assayed region for this gene and therefore may encompass additional genes. This variant has not been reported in the literature in individuals affected with ABCC8-related conditions. For these reasons, this variant has been classified as Pathogenic.